The following is an entry in ClinVar:

NM_000059.4(BRCA2):c.3305A>T (p.Asn1102Ile)

Gene: BRCA2 (BRCA2 DNA repair associated; plus strand). Cytogenetic location: 13q13.1.
Variant type: single nucleotide variant.
Coding change: c.3305A>T on transcript NM_000059.4 (MANE Select); coding-DNA position 3305, A replaced by T.
Protein change: p.Asn1102Ile; replaces asparagine 1102 with isoleucine.
Molecular consequence: missense variant. On other transcripts: non-coding transcript variant (1), intron variant (2).
Genome position (GRCh38, 1-based): chr13:32,337,660, A>T. VCF-style: chr13-32337660-A-T. GRCh37 (hg19) VCF-style: chr13-32911797-A-T.
Other names: c.3305A>T, p.Asn1102Ile (NM_001406719.1, NM_001406720.1, NM_001432077.1); c.1909+4273A>T (NM_001406721.1); c.424+6630A>T (NM_001406722.1); short protein forms N1102I.
Identifiers: ClinVar variation 4759001 (VCV004759001.1).

ClinVar aggregate classification (germline): Uncertain significance (1 of 4 stars; one submission).

Conditions:
Hereditary cancer-predisposing syndrome. Also called: Neoplastic Syndromes, Hereditary; Hereditary neoplastic syndrome; Tumor predisposition; Hereditary Cancer Syndrome. Identifiers: Orphanet 140162, MedGen C0027672, MeSH D009386, MONDO:0015356.

Submission:

Color Diagnostics, LLC DBA Color Health
Classification: Uncertain significance for Hereditary cancer-predisposing syndrome. Last evaluated: 2025-07-17. Review status: criteria provided, single submitter. Criteria: ACMG Guidelines, 2015. Collection method: clinical testing. Allele origin: germline.
Comment: This missense variant replaces asparagine with isoleucine at codon 1102 of the BRCA2 protein. Computational prediction suggests that this variant may not impact protein structure and function. To our knowledge, functional studies have not been reported for this variant. This variant has not been reported in individuals affected with BRCA2-related disorders in the literature. This variant has not been identified in the general population by the Genome Aggregation Database (gnomAD). The available evidence is insufficient to determine the role of this variant in disease conclusively. Therefore, this variant is classified as a Variant of Uncertain Significance.